The following is an entry in ClinVar:

ClinVar aggregate classification (germline): Uncertain significance (1 of 4 stars; one submission).

Conditions:
Primary ciliary dyskinesia. Also called: Ciliary dyskinesia. Identifiers: Orphanet 244, MedGen C0008780, MONDO:0016575, HP:0012265.

Allele frequency attached by ClinVar (database versions not stated): gnomAD exomes below 0.00001; TOPMed below 0.00001; gnomAD 0.00001.
gnomAD v4.1: 8 of 1,613,538 alleles (0.0005%); highest among the groups gnomAD compares: South Asian, 0.0011%; no homozygotes.

Submission:

Labcorp Genetics (formerly Invitae), Labcorp
Classification: Uncertain significance for Primary ciliary dyskinesia. Last evaluated: 2019-06-24. Review status: criteria provided, single submitter. Criteria: Invitae Variant Classification Sherloc (09022015). Collection method: clinical testing. Allele origin: germline.
Comment: This sequence change replaces proline with threonine at codon 673 of the RSPH4A protein (p.Pro673Thr). The proline residue is highly conserved and there is a small physicochemical difference between proline and threonine. This variant is not present in population databases (ExAC no frequency). This variant has not been reported in the literature in individuals with RSPH4A-related conditions. Algorithms developed to predict the effect of missense changes on protein structure and function output the following: SIFT: "Deleterious"; PolyPhen-2: "Possibly Damaging"; Align-GVGD: "Class C0". The threonine amino acid residue is found in multiple mammalian species, suggesting that this missense change does not adversely affect protein function. These predictions have not been confirmed by published functional studies and their clinical significance is uncertain. In summary, the available evidence is currently insufficient to determine the role of this variant in disease. Therefore, it has been classified as a Variant of Uncertain Significance.

NM_001010892.3(RSPH4A):c.2017C>A (p.Pro673Thr)

Gene: RSPH4A (radial spoke head component 4A; plus strand). Cytogenetic location: 6q22.1.
Variant type: single nucleotide variant.
Coding change: c.2017C>A on transcript NM_001010892.3 (MANE Select); coding-DNA position 2017, C replaced by A.
Protein change: p.Pro673Thr; replaces proline 673 with threonine.
Molecular consequence: missense variant. On other transcripts: 3 prime UTR variant (1).
Genome position (GRCh38, 1-based): chr6:116,632,307, C>A. VCF-style: chr6-116632307-C-A. GRCh37 (hg19) VCF-style: chr6-116953470-C-A.
Other names: c.*78C>A (NM_001161664.2); short protein forms P673T.
Identifiers: ClinVar variation 947517 (VCV000947517.10), dbSNP rs920942886, ClinGen allele CA145928867.
Genomic context (GRCh38, chr6:116,632,307, plus strand): 5'-AGTCCAGACAATTATACACCCCCAGTTCCACCACCAGTTTATCAAGAATACCCCAGTGGA[C>A]CAGAAATTACAGAAATGGATGATCCTAGTGTGGAGGAGGAGCAGGCTTTCAGGGCTGCAC-3'
Protein context (NP_001010892.1, residues 663-683): PPVYQEYPSG[Pro673Thr]EITEMDDPSV